The following is an entry in ClinVar:

NM_002887.4(RARS1):c.1473G>T (p.Leu491Phe)

Gene: RARS1 (arginyl-tRNA synthetase 1; plus strand). Cytogenetic location: 5q34.
Variant type: single nucleotide variant.
Coding change: c.1473G>T on transcript NM_002887.4 (MANE Select); coding-DNA position 1473, G replaced by T.
Protein change: p.Leu491Phe; replaces leucine 491 with phenylalanine.
Molecular consequence: missense variant.
Genome position (GRCh38, 1-based): chr5:168,516,798, G>T. VCF-style: chr5-168516798-G-T. GRCh37 (hg19) VCF-style: chr5-167943803-G-T.
Other names: short protein forms L491F.
Identifiers: ClinVar variation 2071525 (VCV002071525.4), dbSNP rs140156588, ClinGen allele CA362084818.

ClinVar aggregate classification (germline): Uncertain significance (1 of 4 stars; one submission).

gnomAD v4.1: 1 of 1,614,150 alleles (0.000062%); highest among the groups gnomAD compares: Non-Finnish European, 0.000085%; no homozygotes.

Submission:

Labcorp Genetics (formerly Invitae), Labcorp
Classification: Uncertain significance. Last evaluated: 2022-01-12. Review status: criteria provided, single submitter. Criteria: Invitae Variant Classification Sherloc (09022015). Collection method: clinical testing. Allele origin: germline.
Comment: This sequence change replaces leucine, which is neutral and non-polar, with phenylalanine, which is neutral and non-polar, at codon 491 of the RARS protein (p.Leu491Phe). In summary, the available evidence is currently insufficient to determine the role of this variant in disease. Therefore, it has been classified as a Variant of Uncertain Significance. Algorithms developed to predict the effect of missense changes on protein structure and function are either unavailable or do not agree on the potential impact of this missense change (SIFT: "Tolerated"; PolyPhen-2: "Possibly Damaging"; Align-GVGD: "Class C0"). This variant has not been reported in the literature in individuals affected with RARS-related conditions. This variant is not present in population databases (gnomAD no frequency).